The following is an entry in ClinVar:

NM_007294.4(BRCA1):c.269_281del (p.Ile90fs)

Gene: BRCA1 (BRCA1 DNA repair associated; minus strand). Cytogenetic location: 17q21.31.
Variant type: Deletion.
Coding change: c.269_281del on transcript NM_007294.4 (MANE Select); coding-DNA positions 269 to 281, 13 bases deleted (TTTGTGCTTTTCA).
Protein change: p.Ile90fs; shifts the reading frame from isoleucine 90.
Molecular consequence: frameshift variant. On other transcripts: non-coding transcript variant (1).
Genome position (GRCh38, 1-based): chr17:43,104,888-43,104,900, TGAAAAGCACAAA deleted on the plus strand (TTTGTGCTTTTCA on the coding strand, the reverse complement: BRCA1 is on the minus strand); deleting any 13 consecutive bases within chr17:43,104,888-43,104,903 gives the same sequence; the c. name uses the placement nearest the transcript's 3' end. VCF-style (leftmost placement, unchanged base first): chr17-43104887-CTGAAAAGCACAAA-C. GRCh37 (hg19) VCF-style: chr17-41256904-CTGAAAAGCACAAA-C.
Other names: 388del13; c.269_281delTTTGTGCTTTTCA (NM_007294.3); c.125_137delTCATTTGTGCTTT, p.Ile43Serfs (NM_001407931.1, NM_001407932.1, NM_001407933.1 and 98 more transcripts); c.266_278delTCATTTGTGCTTT, p.Ile90Serfs (NM_001407937.1, NM_001407938.1, NM_001407939.1 and 166 more transcripts); c.56_68delTCATTTGTGCTTT, p.Ile20Serfs (NM_001407946.1, NM_001407947.1, NM_001407948.1 and 58 more transcripts); c.-116_-104delTCATTTGTGCTTT (NM_001407959.1, NM_001407960.1, NM_001407962.1 and 4 more transcripts); c.188_200delTCATTTGTGCTTT, p.Ile64Serfs (NM_001408409.1, NM_001408411.1, NM_001408412.1 and 21 more transcripts); c.134_146delTCATTTGTGCTTT, p.Ile46Serfs (NM_001408451.1); and 2 more; short protein forms I43fs, I90fs.
Identifiers: ClinVar variation 54652 (VCV000054652.11), dbSNP rs80359879, ClinGen allele CA001773.

ClinVar aggregate classification (germline): Pathogenic. Review status: reviewed by expert panel (3 of 4 stars). 9 submissions from 8 submitters: Pathogenic (1). 8 of the submissions do not count toward it. Last evaluated 2016-09-08.

Conditions:
Familial cancer of breast. Also called: Hereditary breast cancer; hereditary breast carcinoma; BREAST CANCER, FAMILIAL. Identifiers: Orphanet 227535, MedGen C0346153, MONDO:0016419, OMIM 114480. Disease mechanism: loss of function.
Breast-ovarian cancer, familial, susceptibility to, 1 (BROVCA1). Also called: OVARIAN CANCER, SUSCEPTIBILITY TO; BRCA1 Hereditary Breast and Ovarian Cancer. Identifiers: Orphanet 145, MedGen C2676676, MONDO:0011450, OMIM 604370. Disease mechanism: loss of function.
Fanconi anemia, complementation group S (FANCS). Identifiers: MedGen C4554406, MONDO:0054748, OMIM 617883.
Breast and/or ovarian cancer. Identifiers: MedGen CN221562.
Hereditary cancer-predisposing syndrome. Also called: Tumor predisposition; Neoplastic Syndromes, Hereditary; Hereditary Cancer Syndrome; Hereditary neoplastic syndrome. Identifiers: Orphanet 140162, MedGen C0027672, MeSH D009386, MONDO:0015356.
Hereditary breast ovarian cancer syndrome. Also called: Hereditary breast and ovarian cancer syndrome (HBOC); Hereditary breast and ovarian cancer syndrome; Hereditary breast and ovarian cancer; Hereditary breast and/or ovarian cancer syndrome; Breast and ovarian cancer; BRCA1- and BRCA2-Associated Hereditary Breast and Ovarian Cancer. Identifiers: Orphanet 145, MedGen C0677776, MeSH D061325, MONDO:0003582. Disease mechanism: loss of function.

Submissions (9):

Evidence-based Network for the Interpretation of Germline Mutant Alleles (ENIGMA)
Classification: Pathogenic for Breast-ovarian cancer, familial, susceptibility to, 1. Last evaluated: 2016-09-08. Review status: reviewed by expert panel. Criteria: ENIGMA BRCA1/2 Classification Criteria (2015). Collection method: curation. Allele origin: germline.
Comment: Variant allele predicted to encode a truncated non-functional protein.

Baylor Genetics
Classification: Pathogenic for Breast-ovarian cancer, familial, susceptibility to, 1. Last evaluated: 2023-03-23. Review status: criteria provided, single submitter. Criteria: ACMG Guidelines, 2015. Collection method: clinical testing. Allele origin: unknown. Not counted in ClinVar's aggregate classification.

Color Diagnostics, LLC DBA Color Health
Classification: Pathogenic for Hereditary cancer-predisposing syndrome. Last evaluated: 2020-01-15. Review status: criteria provided, single submitter. Criteria: ACMG Guidelines, 2015. Collection method: clinical testing. Allele origin: germline. Not counted in ClinVar's aggregate classification.
Comment: This variant deletes 13 nucleotides in exon 5 of the BRCA1 gene, creating a frameshift and premature translation stop signal. This variant is expected to result in an absent or non-functional protein product. This variant has not been identified in the general population by the Genome Aggregation Database (gnomAD). Loss of BRCA1 function is a known mechanism of disease. Based on the available evidence, this variant is classified as Pathogenic.

Consortium of Investigators of Modifiers of BRCA1/2 (CIMBA), c/o University of Cambridge
Classification: Pathogenic for Breast-ovarian cancer, familial, susceptibility to, 1. Last evaluated: 2015-10-02. Review status: criteria provided, single submitter. Criteria: CIMBA Mutation Classification guidelines May 2016. Collection method: clinical testing. Allele origin: germline. Not counted in ClinVar's aggregate classification.

Department of Pathology and Laboratory Medicine, Sinai Health System
Classification: Pathogenic for Familial cancer of breast; Breast-ovarian cancer, familial, susceptibility to, 1; Fanconi anemia, complementation group S. Last evaluated: 2013-11-27. Review status: criteria provided, single submitter. Criteria: ACMG Guidelines, 2015. Collection method: clinical testing. Allele origin: germline. Affected: yes. Not counted in ClinVar's aggregate classification.

Foulkes Cancer Genetics LDI, Lady Davis Institute for Medical Research
Classification: Pathogenic for Breast and/or ovarian cancer. Last evaluated: 2014-02-27. Review status: no assertion criteria provided. Collection method: clinical testing. Allele origin: germline. Study: The Canadian Open Genetics Repository (COGR). Not counted in ClinVar's aggregate classification.

Research Molecular Genetics Laboratory, Women's College Hospital, University of Toronto
Classification: Pathogenic for Hereditary breast ovarian cancer syndrome. Last evaluated: 2014-01-31. Review status: no assertion criteria provided. Collection method: research. Allele origin: germline. Affected: yes. Study: The Canadian Open Genetics Repository (COGR). Not counted in ClinVar's aggregate classification.

Breast Cancer Information Core (BIC) (BRCA1)
Classification: Pathogenic for Breast-ovarian cancer, familial 1. Last evaluated: 2004-02-20. Review status: no assertion criteria provided. Collection method: clinical testing. Allele origin: germline. Affected: yes. Observed: 2 variant alleles. Not counted in ClinVar's aggregate classification.

Department of Pathology and Laboratory Medicine, Sinai Health System
Classification: Pathogenic for Breast-ovarian cancer, familial, susceptibility to, 1. Review status: no assertion criteria provided. Collection method: clinical testing. Allele origin: unknown. Affected: yes. Observed: 1 variant allele. Study: The Canadian Open Genetics Repository (COGR). Not counted in ClinVar's aggregate classification.
Comment: The p.Ile90SerfsX25 deletion variant was identified in the literature in at least one individual with breast or ovarian cancer (Judkins 2005), and was also identified twice in the BIC database as a clinically important variant. The p.Ile90SerfsX25 deletion variant is predicted to cause a frameshift, which alters the protein's amino acid sequence beginning at codon 90 and leads to a premature stop codon 25 codons downstream. This alteration is then predicted to result in a truncated or absent protein and loss of function. Loss of function variants of the BRCA1 gene are an established mechanism of hereditary breast and ovarian cancer and is the type of variant that is expected to cause the disorder. In summary, based on the above information, this variant meets our laboratoryâ€šÃ„Ã´s criteria to be classified as pathogenic.

Literature cited by the submitters: PubMed 16267036 (cited by Department of Pathology and Laboratory Medicine, Sinai Health System).